The following is an entry in ClinVar:

ClinVar aggregate classification (germline): Conflicting classifications of pathogenicity. Review status: criteria provided, conflicting classifications (1 of 4 stars). 6 submissions from 6 submitters: Uncertain significance (5); Likely benign (1). Last evaluated 2025-12-16.

Conditions:
Inborn genetic diseases. Identifiers: MedGen C0950123, MeSH D030342.
Bethlem myopathy 1A. Also called: Bethlem myopathy 1; MYOPATHY, BENIGN CONGENITAL, WITH CONTRACTURES; Bethlem Muscular Dystrophy. Identifiers: Orphanet 610, MedGen CN029274, MONDO:0024530, OMIM 158810.
Collagen 6-related myopathy. Identifiers: MedGen CN117976, MONDO:0100225.

Allele frequency attached by ClinVar (database versions not stated): gnomAD exomes 0.00006 and 0.00009; ExAC 0.00008; ESP Exome Variant Server 0.00008; TOPMed 0.00011; gnomAD 0.00012.
gnomAD v4.1: 111 of 1,612,254 alleles (0.0069%); highest among the groups gnomAD compares: Non-Finnish European, 0.0011%; no homozygotes.

Submissions (6):

Labcorp Genetics (formerly Invitae), Labcorp
Classification: Likely benign for Bethlem myopathy 1A. Last evaluated: 2025-12-16. Review status: criteria provided, single submitter. Criteria: Invitae Variant Classification Sherloc (09022015). Collection method: clinical testing. Allele origin: germline.

GeneDx
Classification: Uncertain significance. Last evaluated: 2024-01-28. Review status: criteria provided, single submitter. Criteria: GeneDx Variant Classification Process June 2021. Collection method: clinical testing. Allele origin: germline. Affected: yes.
Comment: In silico analysis supports that this missense variant does not alter protein structure/function; Has not been previously published as pathogenic or benign to our knowledge

Revvity Omics, Revvity
Classification: Uncertain significance. Last evaluated: 2022-12-20. Review status: criteria provided, single submitter. Criteria: ACMG Guidelines, 2015. Collection method: clinical testing. Allele origin: germline.

Department of Pathology and Laboratory Medicine, Sinai Health System
Classification: Uncertain significance for collagen 6-related myopathy. Last evaluated: 2021-09-24. Review status: criteria provided, single submitter. Criteria: ACMG Guidelines, 2015. Collection method: research. Allele origin: germline.

Ambry Genetics
Classification: Uncertain significance for Inborn genetic diseases. Last evaluated: 2021-06-11. Review status: criteria provided, single submitter. Criteria: Ambry Variant Classification Scheme 2023. Collection method: clinical testing. Allele origin: germline.

CeGaT Center for Human Genetics Tuebingen
Classification: Uncertain significance. Last evaluated: 2017-01-01. Review status: criteria provided, single submitter. Criteria: CeGaT Center For Human Genetics Tuebingen Variant Classification Criteria Version 2. Collection method: clinical testing. Allele origin: germline. Affected: yes. Observed: 1 variant allele.

NM_001848.3(COL6A1):c.2041A>G (p.Ile681Val)

Gene: COL6A1 (collagen type VI alpha 1 chain; plus strand). Cytogenetic location: 21q22.3.
Variant type: single nucleotide variant.
Coding change: c.2041A>G on transcript NM_001848.3 (MANE Select); coding-DNA position 2041, A replaced by G.
Protein change: p.Ile681Val; replaces isoleucine 681 with valine.
Molecular consequence: missense variant.
Genome position (GRCh38, 1-based): chr21:46,002,045, A>G. VCF-style: chr21-46002045-A-G. GRCh37 (hg19) VCF-style: chr21-47421959-A-G.
Other names: short protein forms I681V.
Identifiers: ClinVar variation 707339 (VCV000707339.59), dbSNP rs377455608, ClinGen allele CA10070728.